The following is an entry in ClinVar:

ClinVar aggregate classification (germline): Uncertain significance. Review status: criteria provided, multiple submitters, no conflicts (2 of 4 stars). 3 submissions from 3 submitters: Uncertain significance (3). Last evaluated 2026-02-04.

Conditions:
LMNA-related disorder. Also called: LMNA-related disorders; LMNA-related condition; LMNA-related disease. Identifiers: MedGen CN380145.
Charcot-Marie-Tooth disease type 2. Also called: Charcot-Marie-Tooth type 2. Identifiers: Orphanet 64746, MedGen C0270914, MONDO:0018993.
Primary dilated cardiomyopathy (DCM). Also called: Dilated Cardiomyopathy. Identifiers: Orphanet 217604, MedGen C0007193, MeSH D002311, MONDO:0005021, HP:0001644. Inheritance: Various modes of inheritance.

Allele frequency attached by ClinVar (database versions not stated): gnomAD exomes below 0.00001; ExAC 0.00001; gnomAD 0.00001; TOPMed 0.00001.
gnomAD v4.1: 5 of 1,613,916 alleles (0.00031%); highest among the groups gnomAD compares: African/African-American, 0.0027%; no homozygotes.

Submissions (3):

PreventionGenetics, part of Exact Sciences
Classification: Uncertain significance for LMNA-related condition. Last evaluated: 2026-02-04. Review status: criteria provided, single submitter. Criteria: ACMG Guidelines, 2015. Collection method: clinical testing. Allele origin: germline.
Comment: The LMNA c.998C>T variant is predicted to result in the amino acid substitution p.Thr333Ile. To our knowledge, this variant has not been reported in the literature. This variant is reported in 0.0054% of alleles in individuals of East Asian descent in gnomAD. At this time, the clinical significance of this variant is uncertain due to the absence of conclusive functional and genetic evidence.

Labcorp Genetics (formerly Invitae), Labcorp
Classification: Uncertain significance for Charcot-Marie-Tooth disease type 2. Last evaluated: 2023-11-25. Review status: criteria provided, single submitter. Criteria: Invitae Variant Classification Sherloc (09022015). Collection method: clinical testing. Allele origin: germline.
Comment: This sequence change replaces threonine, which is neutral and polar, with isoleucine, which is neutral and non-polar, at codon 333 of the LMNA protein (p.Thr333Ile). The frequency data for this variant in the population databases is considered unreliable, as metrics indicate poor data quality at this position in the gnomAD database. This variant has not been reported in the literature in individuals affected with LMNA-related conditions. ClinVar contains an entry for this variant (Variation ID: 1043763). Advanced modeling of protein sequence and biophysical properties (such as structural, functional, and spatial information, amino acid conservation, physicochemical variation, residue mobility, and thermodynamic stability) performed at Invitae indicates that this missense variant is expected to disrupt LMNA protein function with a positive predictive value of 95%. In summary, the available evidence is currently insufficient to determine the role of this variant in disease. Therefore, it has been classified as a Variant of Uncertain Significance.

All of Us Research Program, National Institutes of Health
Classification: Uncertain significance for Primary dilated cardiomyopathy. Last evaluated: 2023-04-10. Review status: criteria provided, single submitter. Criteria: ACMG Guidelines, 2015. Collection method: clinical testing. Allele origin: germline. Inheritance: Autosomal dominant inheritance. Observed: 1 variant allele, 1 heterozygote.
Comment: This missense variant replaces threonine with isoleucine at codon 333 of the LMNA protein. Computational prediction suggests that this variant may not impact protein structure and function (internally defined REVEL score threshold <= 0.5, PMID: 27666373). To our knowledge, functional studies have not been reported for this variant. This variant has not been reported in individuals affected with LMNA-related disorders in the literature. This variant has been identified in 1/250282 chromosomes in the general population by the Genome Aggregation Database (gnomAD). The available evidence is insufficient to determine the role of this variant in disease conclusively. Therefore, this variant is classified as a Variant of Uncertain Significance.

This study involves interpretation of variants in research participants for the purpose of population health screening. Participant phenotype was not available at the time of variant classification. Additional details can be found in publication PMID: 35346344, PMCID: PMC8962531

NM_170707.4(LMNA):c.998C>T (p.Thr333Ile)

Gene: LMNA (lamin A/C; plus strand). Cytogenetic location: 1q22.
Variant type: single nucleotide variant.
Coding change: c.998C>T on transcript NM_170707.4 (MANE Select); coding-DNA position 998, C replaced by T.
Protein change: p.Thr333Ile; replaces threonine 333 with isoleucine.
Molecular consequence: missense variant.
Genome position (GRCh38, 1-based): chr1:156,135,962, C>T. VCF-style: chr1-156135962-C-T. GRCh37 (hg19) VCF-style: chr1-156105753-C-T.
Other names: c.662C>T, p.Thr221Ile (NM_001257374.3); c.755C>T, p.Thr252Ile (NM_001282624.2); c.998C>T, p.Thr333Ile (NM_001282625.2, NM_001282626.2, NM_005572.4 and 1 more transcripts); c.998C>T (NM_170707.3); short protein forms T333I, T221I, T252I.
Identifiers: ClinVar variation 1043763 (VCV001043763.10), dbSNP rs763069566, ClinGen allele CA055030.